The following is an entry in ClinVar:

ClinVar aggregate classification (germline): Uncertain significance (1 of 4 stars; one submission).

Allele frequency attached by ClinVar (database versions not stated): gnomAD exomes 0.00001; gnomAD 0.00002.
gnomAD v4.1: 12 of 1,609,014 alleles (0.00075%); highest among the groups gnomAD compares: Non-Finnish European, 0.001%; no homozygotes.

Submission:

GeneDx
Classification: Uncertain significance. Last evaluated: 2021-02-25. Review status: criteria provided, single submitter. Criteria: GeneDx Variant Classification Process June 2021. Collection method: clinical testing. Allele origin: germline. Affected: yes.
Comment: Has not been previously published as pathogenic or benign to our knowledge; Not observed in large population cohorts (Lek et al., 2016); In silico analysis supports that this variant does not alter splicing

NM_000093.5(COL5A1):c.5136+132G>A

Genes: COL5A1 (collagen type V alpha 1 chain; plus strand), LOC101448202 (uncharacterized LOC101448202; minus strand). Cytogenetic location: 9q34.3.
Variant type: single nucleotide variant.
Coding change: c.5136+132G>A on transcript NM_000093.5 (MANE Select); 132 bases into the intron after coding-DNA position 5136, G replaced by A.
Molecular consequence: intron variant. On other transcripts: synonymous variant (1).
Genome position (GRCh38, 1-based): chr9:134,830,176, G>A. VCF-style: chr9-134830176-G-A. GRCh37 (hg19) VCF-style: chr9-137722022-G-A.
Other names: c.5136G>A, p.Leu1712= (NM_001278074.1).
Identifiers: ClinVar variation 1318587 (VCV001318587.2), dbSNP rs1839547284, ClinGen allele CA1129887408.